The following is an entry in ClinVar:

NM_144670.6(A2ML1):c.3830A>G (p.Asn1277Ser)

Gene: A2ML1 (alpha-2-macroglobulin like 1; plus strand). Cytogenetic location: 12p13.31.
Variant type: single nucleotide variant.
Coding change: c.3830A>G on transcript NM_144670.6 (MANE Select); coding-DNA position 3830, A replaced by G.
Protein change: p.Asn1277Ser; replaces asparagine 1277 with serine.
Molecular consequence: missense variant.
Genome position (GRCh38, 1-based): chr12:8,867,954, A>G. VCF-style: chr12-8867954-A-G. GRCh37 (hg19) VCF-style: chr12-9020550-A-G.
Other names: c.2357A>G, p.Asn786Ser (NM_001282424.3); short protein forms N786S, N1277S.
Identifiers: ClinVar variation 2199723 (VCV002199723.4), dbSNP rs2539307926, ClinGen allele CA383844108.
Genomic context (GRCh38, chr12:8,867,954, plus strand): 5'-TGCCATCTGAGGAGATCAACCTGGTTGTAAAATCCACTGAGAATTTCCAGCGCACATTCA[A>G]CATACAGTCAGTTAACAGATTGGTATTTCAGCAGGATACCCTGCCCAATGTCCCTGGAAT-3'
Protein context (NP_653271.3, residues 1267-1287): KSTENFQRTF[Asn1277Ser]IQSVNRLVFQ

ClinVar aggregate classification (germline): Uncertain significance (1 of 4 stars; one submission).

Allele frequency attached by ClinVar (database versions not stated): gnomAD exomes below 0.00001.
gnomAD v4.1: 1 of 1,614,270 alleles (0.000062%); highest among the groups gnomAD compares: Non-Finnish European, 0.000085%; no homozygotes.

Submission:

Labcorp Genetics (formerly Invitae), Labcorp
Classification: Uncertain significance. Last evaluated: 2025-12-08. Review status: criteria provided, single submitter. Criteria: Invitae Variant Classification Sherloc (09022015). Collection method: clinical testing. Allele origin: germline.
Comment: This sequence change replaces asparagine, which is neutral and polar, with serine, which is neutral and polar, at codon 1277 of the A2ML1 protein (p.Asn1277Ser). This variant is not present in population databases (gnomAD no frequency). This variant has not been reported in the literature in individuals affected with A2ML1-related conditions. ClinVar contains an entry for this variant (Variation ID: 2199723). An algorithm developed to predict the effect of missense changes on protein structure and function outputs the following: PolyPhen-2: "Benign". The serine amino acid residue is found in multiple mammalian species, which suggests that this missense change does not adversely affect protein function. In summary, the available evidence is currently insufficient to determine the role of this variant in disease. Therefore, it has been classified as a Variant of Uncertain Significance.